The following is an entry in ClinVar:

NM_000303.3(PMM2):c.*96G>C

Gene: PMM2 (phosphomannomutase 2; plus strand). Cytogenetic location: 16p13.2.
Variant type: single nucleotide variant.
Coding change: c.*96G>C on transcript NM_000303.3 (MANE Select); 96 bases downstream of the stop codon, G replaced by C.
Molecular consequence: 3 prime UTR variant.
Genome position (GRCh38, 1-based): chr16:8,847,921, G>C. VCF-style: chr16-8847921-G-C. GRCh37 (hg19) VCF-style: chr16-8941778-G-C.
Identifiers: ClinVar variation 321228 (VCV000321228.11), dbSNP rs11554040, ClinGen allele CA10644521.

ClinVar aggregate classification (germline): Benign. Review status: criteria provided, multiple submitters, no conflicts (2 of 4 stars). 4 submissions from 4 submitters: Benign (4). Last evaluated 2021-07-10.

Conditions:
PMM2-congenital disorder of glycosylation. Also called: CDG Ia; JAEKEN SYNDROME; PHOSPHOMANNOMUTASE 2 DEFICIENCY; Congenital disorder of glycosylation, type Ia; CARBOHYDRATE-DEFICIENT GLYCOPROTEIN SYNDROME, TYPE Ia; PMM2-CDG. Identifiers: Orphanet 79318, MedGen C0349653, MONDO:0008907, OMIM 212065.

Allele frequency attached by ClinVar (database versions not stated): gnomAD 0.14272 and 0.14566; TOPMed 0.14350; 1000 Genomes Project 30x 0.17021; 1000 Genomes Project 0.17372.
gnomAD v4.1: 136,922 of 858,700 alleles (16%); highest among the groups gnomAD compares: East Asian, 22%; 11,432 homozygotes.

Submissions (4):

Genome-Nilou Lab
Classification: Benign for PMM2-congenital disorder of glycosylation. Last evaluated: 2021-07-10. Review status: criteria provided, single submitter. Criteria: ACMG Guidelines, 2015. Collection method: clinical testing. Allele origin: germline. Affected: no.

GeneDx
Classification: Benign. Last evaluated: 2018-06-29. Review status: criteria provided, single submitter. Criteria: GeneDx Variant Classification Process June 2021. Collection method: clinical testing. Allele origin: germline. Affected: yes.

Illumina Laboratory Services, Illumina
Classification: Benign for PMM2-congenital disorder of glycosylation. Last evaluated: 2018-01-13. Review status: criteria provided, single submitter. Criteria: ICSL Variant Classification Criteria 13 December 2019. Collection method: clinical testing. Allele origin: germline.
Comment: This variant was observed in the ICSL laboratory as part of a predisposition screen in an ostensibly healthy population. It had not been previously curated by ICSL or reported in the Human Gene Mutation Database (HGMD: prior to June 1st, 2018), and was therefore a candidate for classification through an automated scoring system. Utilizing variant allele frequency, disease prevalence and penetrance estimates, and inheritance mode, an automated score was calculated to assess if this variant is too frequent to cause the disease. Based on the score and internal cut-off values, a variant classified as benign is not then subjected to further curation. The score for this variant resulted in a classification of benign for this disease.

Breakthrough Genomics
Classification: Benign. Review status: criteria provided, single submitter. Criteria: ACMG Guidelines, 2015. Collection method: not provided. Allele origin: germline. Inheritance: Autosomal recessive inheritance. Affected: yes.